The following is an entry in ClinVar:

ClinVar aggregate classification (germline): Likely benign (0 of 4 stars; one submission).

Conditions:
KIAA0232-related disorder. Also called: KIAA0232-related condition.

Allele frequency attached by ClinVar (database versions not stated): 1000 Genomes Project 0.00020; 1000 Genomes Project 30x 0.00031; TOPMed 0.00116; gnomAD 0.00129; gnomAD exomes 0.00197; ESP Exome Variant Server 0.00206; ExAC 0.00253.
gnomAD v4.1: 3,050 of 1,614,166 alleles (0.19%); highest among the groups gnomAD compares: Non-Finnish European, 0.23%; 5 homozygotes.

Submission:

PreventionGenetics, part of Exact Sciences
Classification: Likely benign for KIAA0232-related condition. Last evaluated: 2023-03-07. Review status: no assertion criteria provided. Collection method: clinical testing. Allele origin: germline.
Comment: This variant is classified as likely benign based on ACMG/AMP sequence variant interpretation guidelines (Richards et al. 2015 PMID: 25741868, with internal and published modifications).

NM_014743.3(KIAA0232):c.48C>G (p.Ser16Arg)

Gene: KIAA0232 (KIAA0232; plus strand). Cytogenetic location: 4p16.1.
Variant type: single nucleotide variant.
Coding change: c.48C>G on transcript NM_014743.3 (MANE Select); coding-DNA position 48, C replaced by G.
Protein change: p.Ser16Arg; replaces serine 16 with arginine.
Molecular consequence: missense variant.
Genome position (GRCh38, 1-based): chr4:6,824,501, C>G. VCF-style: chr4-6824501-C-G. GRCh37 (hg19) VCF-style: chr4-6826228-C-G.
Other names: c.48C>G, p.Ser16Arg (NM_001100590.2); short protein forms S16R.
Identifiers: ClinVar variation 3052068 (VCV003052068.2), dbSNP rs111811307, ClinGen allele CA2842163.
Genomic context (GRCh38, chr4:6,824,501, plus strand): 5'-GCAACCTAAATTCATGTACCCTATCTGTACAGTTGTTGTGGATGGTTTGCCATCTGAAAG[C>G]TCCTCAAGTTCTTATCCAGGCCCTGTGTCTGTTTCTGAAATGTCTCTGCTTCATGCTTTG-3'
Protein context (NP_055558.2, residues 6-26): TVVVDGLPSE[Ser16Arg]SSSSYPGPVS